The following is an entry in ClinVar:

ClinVar aggregate classification (germline): Pathogenic. Review status: criteria provided, multiple submitters, no conflicts (2 of 4 stars). 2 submissions from 2 submitters: Pathogenic (2). Last evaluated 2025-01-28.

Conditions:
Cholestasis, progressive familial intrahepatic, 7, with or without hearing loss. Identifiers: MedGen C5562043, MONDO:0030503, OMIM 619658.

Allele frequency attached by ClinVar (database versions not stated): gnomAD exomes below 0.00001; gnomAD 0.00001; TOPMed 0.00001.

Submissions (2):

Dasa
Classification: Pathogenic. Last evaluated: 2025-01-28. Review status: criteria provided, single submitter. Criteria: DASA Assertion Criteria. Collection method: clinical testing. Allele origin: germline.
Comment: NM_001371395.1(USP53):c.1687del (p.Ser563Alafs*25) introduces a premature termination codon predicted to result in loss of normal protein function. Loss-of-function is an established mechanism of disease for this gene. This variant has been reported in an affected individual with related phenotype in a genotype context consistent with recessive disease (PMID: 33661244). The variant is present at low frequency in population datasets. Based on the available data, this variant is classified as pathogenic.

Mendelics
Classification: Pathogenic for Cholestasis, progressive familial intrahepatic, 7, with or without hearing loss. Last evaluated: 2022-05-04. Review status: criteria provided, single submitter. Criteria: Mendelics Assertion Criteria 2019. Collection method: clinical testing. Allele origin: germline.

Literature cited by the submitters: PubMed 33661244 (cited by Dasa).

NM_001371395.1(USP53):c.1687del (p.Ser563fs)

Gene: USP53 (ubiquitin specific peptidase 53; plus strand). Cytogenetic location: 4q26.
Variant type: Deletion.
Coding change: c.1687del on transcript NM_001371395.1 (MANE Select); coding-DNA position 1687, one base deleted (A; older notation c.1687delA).
Protein change: p.Ser563fs; shifts the reading frame from serine 563.
Molecular consequence: frameshift variant.
Genome position (GRCh38, 1-based): chr4:119,271,547, A deleted. VCF-style (leftmost placement, unchanged base first): chr4-119271546-CA-C. GRCh37 (hg19) VCF-style: chr4-120192701-CA-C.
Other names: c.1534del, p.Ser512fs (NM_001371396.1, NM_001389661.1); c.1687del, p.Ser563fs (NM_001371397.1, NM_001371398.1, NM_001371399.1 and 3 more transcripts); c.1537del, p.Ser513fs (NM_001389660.1); c.1339del, p.Ser447fs (NM_001389662.1, NM_001389663.1, NM_001389664.1 and 1 more transcripts); c.1186del, p.Ser396fs (NM_001389665.1, NM_001389667.1); short protein forms S396fs, S447fs, S512fs, S513fs, S563fs.
Identifiers: ClinVar variation 1686292 (VCV001686292.2), dbSNP rs1263067327, ClinGen allele CA786090610.
Genomic context (GRCh38, chr4:119,271,546, plus strand): 5'-AGGAGAGAAAATAACTGGCAAAGTTAAGAGTGACAATGGCACTGGATATGACACAGACAG[CA>C]GCCAAGATTCTAGGGATAGAGGAAACAGCTGTGATAGCAGCAGTAAAAGCCGGAACCGAG-3'